The following is an entry in ClinVar:

NM_032830.3(UTP4):c.1563G>A (p.Thr521=)

Gene: UTP4 (UTP4 small subunit processome component). Cytogenetic location: 16q22.1.
Variant type: single nucleotide variant.
Coding change: c.1563G>A on transcript NM_032830.3 (MANE Select); coding-DNA position 1563, G replaced by A.
Protein change: p.Thr521=; no amino-acid change (threonine 521 retained).
Molecular consequence: synonymous variant.
Genome position (GRCh38, 1-based): chr16:69,163,094, G>A. VCF-style: chr16-69163094-G-A. GRCh37 (hg19) VCF-style: chr16-69196997-G-A.
Other names: c.1314G>A, p.Thr438= (NM_001318391.2).
Identifiers: ClinVar variation 4980772 (VCV004980772.1).
Genomic context (GRCh38, chr16:69,163,094, plus strand): 5'-GGAAAAGTGTCACTTAGAGTTGCCACTTGTGTCTGTTATTTGTTCCCAGCTTCACTGCAC[G>A]GTGCCTGCTTACAATTTCCCAGTGACTGCTATGGCTATTGCCCCCAATACCAACAACCTT-3'
Protein context (NP_116219.2, residues 511-531): YNVKQLKLHC[Thr521=]VPAYNFPVTA

ClinVar aggregate classification (germline): Likely benign (1 of 4 stars; one submission).

Conditions:
UTP4-related disorder. Also called: UTP4-related condition.

gnomAD v4.1: 43 of 1,613,788 alleles (0.0027%); highest among the groups gnomAD compares: South Asian, 0.015%; no homozygotes.

Submission:

PreventionGenetics, part of Exact Sciences
Classification: Likely benign for UTP4-related condition. Last evaluated: 2025-07-22. Review status: criteria provided, single submitter. Criteria: ACMG Guidelines, 2015. Collection method: clinical testing. Allele origin: germline.
Comment: This variant is classified as likely benign based on ACMG/AMP sequence variant interpretation guidelines (Richards et al. 2015 PMID: 25741868, with internal and published modifications).